The following is an entry in ClinVar:

NM_024009.3(GJB3):c.53C>T (p.Thr18Ile)

Gene: GJB3 (gap junction protein beta 3; plus strand). Cytogenetic location: 1p34.3.
Variant type: single nucleotide variant.
Coding change: c.53C>T on transcript NM_024009.3 (MANE Select); coding-DNA position 53, C replaced by T.
Protein change: p.Thr18Ile; replaces threonine 18 with isoleucine.
Molecular consequence: missense variant.
Genome position (GRCh38, 1-based): chr1:34,784,815, C>T. VCF-style: chr1-34784815-C-T. GRCh37 (hg19) VCF-style: chr1-35250416-C-T.
Other names: c.53C>T, p.Thr18Ile (NM_001005752.2); short protein forms T18I.
Identifiers: ClinVar variation 1306006 (VCV001306006.5), dbSNP rs755025684, ClinGen allele CA754726.

ClinVar aggregate classification (germline): Uncertain significance. Review status: criteria provided, multiple submitters, no conflicts (2 of 4 stars). 3 submissions from 3 submitters: Uncertain significance (3). Last evaluated 2022-08-12.

Conditions:
Erythrokeratodermia variabilis et progressiva 1 (EKVP1). Also called: ERYTHROKERATODERMIA VARIABILIS WITH ERYTHEMA GYRATUM REPENS; ERYTHROKERATODERMIA, PROGRESSIVE SYMMETRIC; ERYTHROKERATODERMIA FIGURATA, CONGENITAL FAMILIAL, IN PLAQUES. Identifiers: Orphanet 317, MedGen C4551486, MONDO:0033010, OMIM 133200.
Autosomal recessive nonsyndromic hearing loss 1A (DFNB1A). Also called: GJB6-Related DFNB 1 Nonsyndromic Hearing Loss and Deafness; Deafness, autosomal recessive 1A; Connexin 26 deafness; Deafness nonsyndromic, Connexin 26 linked; Nonsyndromic Hearing Loss and Deafness, DFNB1; GJB2-Related Autosomal Recessive Nonsyndromic Hearing Loss. Identifiers: Orphanet 90636, MedGen C2673759, MONDO:0009076, OMIM 220290.
Autosomal dominant nonsyndromic hearing loss 2B. Also called: DEAFNESS, AUTOSOMAL DOMINANT, WITH OR WITHOUT PERIPHERAL NEUROPATHY. Identifiers: Orphanet 90635, MedGen C2675236, MONDO:0012976, OMIM 612644.

Allele frequency attached by ClinVar (database versions not stated): TOPMed 0.00001; gnomAD 0.00003; gnomAD exomes 0.00004 and 0.00007; ExAC 0.00007.
gnomAD v4.1: 62 of 1,614,132 alleles (0.0038%); highest among the groups gnomAD compares: South Asian, 0.056%; no homozygotes.

Submissions (3):

Blueprint Genetics
Classification: Uncertain significance. Last evaluated: 2022-08-12. Review status: criteria provided, single submitter. Criteria: ACMG Guidelines, 2015. Collection method: clinical testing. Allele origin: germline.

GeneDx
Classification: Uncertain significance. Last evaluated: 2019-02-26. Review status: criteria provided, single submitter. Criteria: GeneDx Variant Classification Process June 2021. Collection method: clinical testing. Allele origin: germline. Affected: yes.
Comment: Observed in the heterozygous state in two patients with hearing loss; however, no other specific information on the patients was provided (Yang et al., 2010); In silico analysis, which includes protein predictors and evolutionary conservation, supports a deleterious effect; The majority of missense variants in this gene are considered pathogenic (Stenson et al., 2014); This variant is associated with the following publications: (PMID: 20593197)

Juno Genomics, Hangzhou Juno Genomics, Inc
Classification: Uncertain significance for Autosomal dominant nonsyndromic hearing loss 2B; Autosomal recessive nonsyndromic hearing loss 1A; Erythrokeratodermia variabilis et progressiva 1. Review status: criteria provided, single submitter. Criteria: ACMG Guidelines, 2015. Collection method: clinical testing. Allele origin: germline.
Comment: Absent from controls (or at extremely low frequency if recessive) in Genome Aggregation Database.;Multiple lines of computational evidence support a deleterious effect on the gene or gene product.